The following is an entry in ClinVar:

NM_000551.4(VHL):c.340+830C>T

Genes: VHL (von Hippel-Lindau tumor suppressor; plus strand), LOC107303340 (3p25 von Hippel-Lindau tumor suppressor, E3 ubiquitin protein ligase Alu-mediated recombination region; plus strand). Cytogenetic location: 3p25.3.
Variant type: single nucleotide variant.
Coding change: c.340+830C>T on transcript NM_000551.4 (MANE Select); 830 bases into the intron after coding-DNA position 340, C replaced by T.
Molecular consequence: intron variant. On other transcripts: 3 prime UTR variant (1).
Genome position (GRCh38, 1-based): chr3:10,143,017, C>T. VCF-style: chr3-10143017-C-T. GRCh37 (hg19) VCF-style: chr3-10184701-C-T.
Other names: c.*13C>T (NM_001354723.2); c.340+830C>T (NM_198156.3).
Identifiers: ClinVar variation 969798 (VCV000969798.9), dbSNP rs1696165307, ClinGen allele CA1139655751.

ClinVar aggregate classification (germline): Uncertain significance (1 of 4 stars; one submission).

Conditions:
Chuvash polycythemia. Also called: POLYCYTHEMIA, VHL-DEPENDENT. Identifiers: Orphanet 238557, MedGen C1837915, MONDO:0009892, OMIM 263400.
Von Hippel-Lindau syndrome (VHLS). Also called: von Hippel–Lindau syndrome; VHL syndrome; Von Hippel-Lindau. Identifiers: Orphanet 892, MedGen C0019562, MONDO:0008667, OMIM 193300. Disease mechanism: loss of function.

Allele frequency attached by ClinVar (database versions not stated): TOPMed below 0.00001.

Submission:

Labcorp Genetics (formerly Invitae), Labcorp
Classification: Uncertain significance for Von Hippel-Lindau syndrome; Chuvash polycythemia. Last evaluated: 2024-04-08. Review status: criteria provided, single submitter. Criteria: Invitae Variant Classification Sherloc (09022015). Collection method: clinical testing. Allele origin: germline.
Comment: This sequence change falls in intron 1 of the VHL gene. It is not expected to change the encoded amino acid sequence of the VHL protein. However, this sequence change falls within a cryptic exon in the VHL gene, known as exon E1’, which is naturally expressed at low levels in several human tissues (PMID: 29891534). This variant is not present in population databases (gnomAD no frequency). This variant has not been reported in the literature in individuals affected with VHL-related conditions. ClinVar contains an entry for this variant (Variation ID: 969798). Experimental studies and prediction algorithms are not available or were not evaluated, and the functional significance of this variant is currently unknown. Algorithms developed to predict the effect of sequence changes on RNA splicing suggest that this variant is not likely to affect RNA splicing. In summary, the available evidence is currently insufficient to determine the role of this variant in disease. Therefore, it has been classified as a Variant of Uncertain Significance.

Literature cited by the submitters: PubMed 29891534.